The following is an entry in ClinVar:

ClinVar aggregate classification (germline): Uncertain significance. Review status: criteria provided, multiple submitters, no conflicts (2 of 4 stars). 2 submissions from 2 submitters: Uncertain significance (2). Last evaluated 2022-03-08.

Allele frequency attached by ClinVar (database versions not stated): ExAC 0.00002; gnomAD exomes 0.00002 and 0.00006; TOPMed 0.00003.
gnomAD v4.1: 87 of 1,606,296 alleles (0.0054%); highest among the groups gnomAD compares: Non-Finnish European, 0.0071%; no homozygotes.

Submissions (2):

Blueprint Genetics
Classification: Uncertain significance. Last evaluated: 2022-03-08. Review status: criteria provided, single submitter. Criteria: ACMG Guidelines, 2015. Collection method: clinical testing. Allele origin: germline.

Labcorp Genetics (formerly Invitae), Labcorp
Classification: Uncertain significance. Last evaluated: 2020-03-19. Review status: criteria provided, single submitter. Criteria: Invitae Variant Classification Sherloc (09022015). Collection method: clinical testing. Allele origin: germline.
Comment: Algorithms developed to predict the effect of missense changes on protein structure and function are either unavailable or do not agree on the potential impact of this missense change (SIFT: "Not Available"; PolyPhen-2: "Probably Damaging"; Align-GVGD: "Not Available"). This sequence change replaces glutamic acid with glycine at codon 1887 of the CEP250 protein (p.Glu1887Gly). The glutamic acid residue is moderately conserved and there is a moderate physicochemical difference between glutamic acid and glycine. This variant is present in population databases (rs768431825, ExAC 0.003%). This variant has not been reported in the literature in individuals with CEP250-related conditions. In summary, the available evidence is currently insufficient to determine the role of this variant in disease. Therefore, it has been classified as a Variant of Uncertain Significance.

NM_007186.6(CEP250):c.5660A>G (p.Glu1887Gly)

Gene: CEP250 (centrosomal protein 250; plus strand). Cytogenetic location: 20q11.22.
Variant type: single nucleotide variant.
Coding change: c.5660A>G on transcript NM_007186.6 (MANE Select); coding-DNA position 5660, A replaced by G.
Protein change: p.Glu1887Gly; replaces glutamic acid 1887 with glycine.
Molecular consequence: missense variant.
Genome position (GRCh38, 1-based): chr20:35,504,029, A>G. VCF-style: chr20-35504029-A-G. GRCh37 (hg19) VCF-style: chr20-34091857-A-G.
Other names: c.3764A>G, p.Glu1255Gly (NM_001318219.1); short protein forms E1255G, E1887G.
Identifiers: ClinVar variation 1020821 (VCV001020821.7), dbSNP rs768431825, ClinGen allele CA9833912.